The following is an entry in ClinVar:

ClinVar aggregate classification (germline): Uncertain significance (1 of 4 stars; one submission).

Conditions:
ADCY1-related disorder. Also called: ADCY1-related condition.

gnomAD v4.1: 6 of 1,612,906 alleles (0.00037%); highest among the groups gnomAD compares: Non-Finnish European, 0.00042%; no homozygotes.

Submission:

PreventionGenetics, part of Exact Sciences
Classification: Uncertain significance for ADCY1-related condition. Last evaluated: 2024-12-09. Review status: criteria provided, single submitter. Criteria: ACMG Guidelines, 2015. Collection method: clinical testing. Allele origin: germline.
Comment: The ADCY1 c.2605G>A variant is predicted to result in the amino acid substitution p.Val869Ile. To our knowledge, this variant has not been reported in the literature. This variant is reported in 0.0018% of alleles in individuals of European (Non-Finnish) descent in gnomAD. At this time, the clinical significance of this variant is uncertain due to the absence of conclusive functional and genetic evidence.

NM_021116.4(ADCY1):c.2605G>A (p.Val869Ile)

Gene: ADCY1 (adenylate cyclase 1; plus strand). Cytogenetic location: 7p12.3.
Variant type: single nucleotide variant.
Coding change: c.2605G>A on transcript NM_021116.4 (MANE Select); coding-DNA position 2605, G replaced by A.
Protein change: p.Val869Ile; replaces valine 869 with isoleucine.
Molecular consequence: missense variant.
Genome position (GRCh38, 1-based): chr7:45,703,633, G>A. VCF-style: chr7-45703633-G-A. GRCh37 (hg19) VCF-style: chr7-45743232-G-A.
Other names: short protein forms V869I.
Identifiers: ClinVar variation 4982430 (VCV004982430.1).